The following is an entry in ClinVar:

NM_024426.6(WT1):c.366G>T (p.Gly122=)

Genes: WT1 (WT1 transcription factor; minus strand), LOC107982234 (WT1/WT1-AS bi-directional promoter region; plus strand). Cytogenetic location: 11p13.
Variant type: single nucleotide variant.
Coding change: c.366G>T on transcript NM_024426.6 (MANE Select); coding-DNA position 366, G replaced by T.
Protein change: p.Gly122=; no amino-acid change (glycine 122 retained).
Molecular consequence: synonymous variant. On other transcripts: non-coding transcript variant (2).
Genome position (GRCh38, 1-based): chr11:32,434,995, C>A on the plus strand (G>T on the coding strand, the complement: WT1 is on the minus strand). VCF-style: chr11-32434995-C-A. GRCh37 (hg19) VCF-style: chr11-32456541-C-A.
Other names: c.366G>T, p.Gly122= (NM_000378.6, NM_001407044.1, NM_001407045.1 and 6 more transcripts); c.351G>T, p.Gly117= (NM_024425.2).
Identifiers: ClinVar variation 2928522 (VCV002928522.11), dbSNP rs1362739411, ClinGen allele CA473773767.

ClinVar aggregate classification (germline): Likely benign. Review status: criteria provided, multiple submitters, no conflicts (2 of 4 stars). 2 submissions from 2 submitters: Likely benign (2). Last evaluated 2025-08-01.

Conditions:
Frasier syndrome. Identifiers: Orphanet 347, MedGen C0950122, MeSH D052159, MONDO:0007635, OMIM 136680.
Drash syndrome (DDS). Also called: NEPHROPATHY, WILMS TUMOR, AND GENITAL ANOMALIES; WILMS TUMOR AND PSEUDO- OR TRUE HERMAPHRODITISM. Identifiers: Orphanet 220, MedGen C0950121, MONDO:0008682, OMIM 194080.
Wilms tumor 1 (WT1). Also called: Wilms tumor, somatic. Identifiers: Orphanet 654, MedGen CN033288, MONDO:0008679, OMIM 194070.
11p partial monosomy syndrome (WAGR). Also called: CHROMOSOME 11p13 DELETION SYNDROME; WAGR syndrome; WAGR Spectrum Disorder; WAGR Complex. Identifiers: Orphanet 893, MedGen C0206115, MONDO:0008681, OMIM 194072.

Submissions (2):

CeGaT Center for Human Genetics Tuebingen
Classification: Likely benign. Last evaluated: 2025-08-01. Review status: criteria provided, single submitter. Criteria: CeGaT Center For Human Genetics Tuebingen Variant Classification Criteria Version 2. Collection method: clinical testing. Allele origin: germline. Affected: yes. Observed: 1 variant allele.
Comment: WT1: PM2:Supporting, BP4, BP7

Labcorp Genetics (formerly Invitae), Labcorp
Classification: Likely benign for Wilms tumor 1; Drash syndrome; 11p partial monosomy syndrome; Frasier syndrome. Last evaluated: 2023-11-28. Review status: criteria provided, single submitter. Criteria: Invitae Variant Classification Sherloc (09022015). Collection method: clinical testing. Allele origin: germline.